The following is an entry in ClinVar:

NM_017671.5(FERMT1):c.1616C>T (p.Ala539Val)

Gene: FERMT1 (FERM domain containing kindlin 1; minus strand). Cytogenetic location: 20p12.3.
Variant type: single nucleotide variant.
Coding change: c.1616C>T on transcript NM_017671.5 (MANE Select); coding-DNA position 1616, C replaced by T.
Protein change: p.Ala539Val; replaces alanine 539 with valine.
Molecular consequence: missense variant.
Genome position (GRCh38, 1-based): chr20:6,084,142, G>A on the plus strand (C>T on the coding strand, the complement: FERMT1 is on the minus strand). VCF-style: chr20-6084142-G-A. GRCh37 (hg19) VCF-style: chr20-6064789-G-A.
Other names: c.1616C>T (NM_017671.4); short protein forms A539V.
Identifiers: ClinVar variation 2161415 (VCV002161415.2), dbSNP rs770476471, ClinGen allele CA9758076.

ClinVar aggregate classification (germline): Uncertain significance. Review status: criteria provided, multiple submitters, no conflicts (2 of 4 stars). 2 submissions from 2 submitters: Uncertain significance (2). Last evaluated 2025-08-19.

Conditions:
Inborn genetic diseases. Identifiers: MedGen C0950123, MeSH D030342.

Allele frequency attached by ClinVar (database versions not stated): ExAC 0.00002; TOPMed below 0.00001; gnomAD 0.00001; gnomAD exomes 0.00001.
gnomAD v4.1: 19 of 1,612,858 alleles (0.0012%); highest among the groups gnomAD compares: South Asian, 0.0066%; no homozygotes.

Submissions (2):

Ambry Genetics
Classification: Uncertain significance for Inborn genetic diseases. Last evaluated: 2025-08-19. Review status: criteria provided, single submitter. Criteria: Ambry Variant Classification Scheme 2023. Collection method: clinical testing. Allele origin: germline.

Labcorp Genetics (formerly Invitae), Labcorp
Classification: Uncertain significance. Last evaluated: 2022-02-03. Review status: criteria provided, single submitter. Criteria: Invitae Variant Classification Sherloc (09022015). Collection method: clinical testing. Allele origin: germline.
Comment: This sequence change replaces alanine, which is neutral and non-polar, with valine, which is neutral and non-polar, at codon 539 of the FERMT1 protein (p.Ala539Val). This variant is present in population databases (rs770476471, gnomAD 0.01%). This variant has not been reported in the literature in individuals affected with FERMT1-related conditions. Algorithms developed to predict the effect of missense changes on protein structure and function (SIFT, PolyPhen-2, Align-GVGD) all suggest that this variant is likely to be disruptive. Algorithms developed to predict the effect of sequence changes on RNA splicing suggest that this variant may create or strengthen a splice site. In summary, the available evidence is currently insufficient to determine the role of this variant in disease. Therefore, it has been classified as a Variant of Uncertain Significance.